The following is an entry in ClinVar:

ClinVar aggregate classification (germline): Uncertain significance (1 of 4 stars; one submission).

Conditions:
Cardiovascular phenotype. Identifiers: MedGen CN230736.
Hereditary cancer-predisposing syndrome. Also called: Tumor predisposition; Neoplastic Syndromes, Hereditary; Hereditary Cancer Syndrome; Hereditary neoplastic syndrome. Identifiers: Orphanet 140162, MedGen C0027672, MeSH D009386, MONDO:0015356.

Submission:

Ambry Genetics
Classification: Uncertain significance for Cardiovascular phenotype; Hereditary cancer-predisposing syndrome. Last evaluated: 2025-01-20. Review status: criteria provided, single submitter. Criteria: Ambry Variant Classification Scheme 2023. Collection method: clinical testing. Allele origin: germline.
Comment: The p.R68G variant (also known as c.202C>G), located in coding exon 2 of the LZTR1 gene, results from a C to G substitution at nucleotide position 202. The arginine at codon 68 is replaced by glycine, an amino acid with dissimilar properties. This amino acid position is highly conserved in available vertebrate species. In addition, this alteration is predicted to be deleterious by in silico analysis. Based on the available evidence, the clinical significance of this variant remains unclear.

NM_006767.4(LZTR1):c.202C>G (p.Arg68Gly)

Gene: LZTR1 (leucine zipper like post translational regulator 1; plus strand). Cytogenetic location: 22q11.21.
Variant type: single nucleotide variant.
Coding change: c.202C>G on transcript NM_006767.4 (MANE Select); coding-DNA position 202, C replaced by G.
Protein change: p.Arg68Gly; replaces arginine 68 with glycine.
Molecular consequence: missense variant.
Genome position (GRCh38, 1-based): chr22:20,983,028, C>G. VCF-style: chr22-20983028-C-G. GRCh37 (hg19) VCF-style: chr22-21337317-C-G.
Other names: short protein forms R68G.
Identifiers: ClinVar variation 3869304 (VCV003869304.1).